The following is an entry in ClinVar:

ClinVar aggregate classification (germline): Uncertain significance (1 of 4 stars; one submission).

Conditions:
Paroxysmal nonkinesigenic dyskinesia. Also called: Paroxysmal non-kinesigenic dyskinesia. Identifiers: Orphanet 98810, MedGen C1869117, MONDO:0700088.

Allele frequency attached by ClinVar (database versions not stated): gnomAD exomes below 0.00001; TOPMed below 0.00001.
gnomAD v4.1: 8 of 1,612,654 alleles (0.0005%); highest among the groups gnomAD compares: Non-Finnish European, 0.00051%; no homozygotes.

Submission:

Labcorp Genetics (formerly Invitae), Labcorp
Classification: Uncertain significance for Paroxysmal nonkinesigenic dyskinesia. Last evaluated: 2026-01-21. Review status: criteria provided, single submitter. Criteria: Invitae Variant Classification Sherloc (09022015). Collection method: clinical testing. Allele origin: germline.
Comment: This sequence change replaces aspartic acid, which is acidic and polar, with glutamic acid, which is acidic and polar, at codon 147 of the PNKD protein (p.Asp147Glu). This variant is not present in population databases (gnomAD no frequency). This variant has not been reported in the literature in individuals affected with PNKD-related conditions. ClinVar contains an entry for this variant (Variation ID: 3006089). Invitae Evidence Modeling of protein sequence and biophysical properties (such as structural, functional, and spatial information, amino acid conservation, physicochemical variation, residue mobility, and thermodynamic stability) indicates that this missense variant is expected to disrupt PNKD protein function with a positive predictive value of 80%. In summary, the available evidence is currently insufficient to determine the role of this variant in disease. Therefore, it has been classified as a Variant of Uncertain Significance.

NM_015488.5(PNKD):c.441C>G (p.Asp147Glu)

Genes: CATIP-AS2 (CATIP antisense RNA 2; minus strand), PNKD (PNKD metallo-beta-lactamase domain containing; plus strand). Cytogenetic location: 2q35.
Variant type: single nucleotide variant.
Coding change: c.441C>G on transcript NM_015488.5 (MANE Select); coding-DNA position 441, C replaced by G.
Protein change: p.Asp147Glu; replaces aspartic acid 147 with glutamic acid.
Molecular consequence: missense variant.
Genome position (GRCh38, 1-based): chr2:218,340,117, C>G. VCF-style: chr2-218340117-C-G. GRCh37 (hg19) VCF-style: chr2-219204840-C-G.
Other names: c.369C>G, p.Asp123Glu (NM_022572.5); short protein forms D147E, D123E.
Identifiers: ClinVar variation 3006089 (VCV003006089.3), dbSNP rs1181719465, ClinGen allele CA350538787.